The following is an entry in ClinVar:

ClinVar aggregate classification (germline): Pathogenic. Review status: criteria provided, multiple submitters, no conflicts (2 of 4 stars). 3 submissions from 3 submitters: Pathogenic (3). Last evaluated 2024-01-04.

Conditions:
Breast-ovarian cancer, familial, susceptibility to, 4. Identifiers: Orphanet 145, MedGen C3280345, MONDO:0013669, OMIM 614291.
Hereditary cancer-predisposing syndrome. Also called: Tumor predisposition; Hereditary Cancer Syndrome; Neoplastic Syndromes, Hereditary; Hereditary neoplastic syndrome. Identifiers: Orphanet 140162, MedGen C0027672, MeSH D009386, MONDO:0015356.

Submissions (3):

Myriad Genetics, Inc.
Classification: Pathogenic for Breast-ovarian cancer, familial, susceptibility to, 4. Last evaluated: 2024-01-04. Review status: criteria provided, single submitter. Criteria: Myriad Autosomal Dominant, Autosomal Recessive and X-Linked Classification Criteria (2023). Collection method: clinical testing. Allele origin: unknown.
Comment: This variant is considered pathogenic. This variant creates a frameshift predicted to result in premature protein truncation.

Ambry Genetics
Classification: Pathogenic for Hereditary cancer-predisposing syndrome. Last evaluated: 2023-12-04. Review status: criteria provided, single submitter. Criteria: Ambry Variant Classification Scheme 2023. Collection method: clinical testing. Allele origin: germline.
Comment: The c.287dupG pathogenic mutation, located in coding exon 4 of the RAD51D gene, results from a duplication of G at nucleotide position 287, causing a translational frameshift with a predicted alternate stop codon (p.L97Sfs*8). This alteration is expected to result in loss of function by premature protein truncation or nonsense-mediated mRNA decay. As such, this alteration is interpreted as a disease-causing mutation.

Labcorp Genetics (formerly Invitae), Labcorp
Classification: Pathogenic for Breast-ovarian cancer, familial, susceptibility to, 4. Last evaluated: 2022-03-20. Review status: criteria provided, single submitter. Criteria: Invitae Variant Classification Sherloc (09022015). Collection method: clinical testing. Allele origin: germline.
Comment: For these reasons, this variant has been classified as Pathogenic. Algorithms developed to predict the effect of sequence changes on RNA splicing suggest that this variant may disrupt the consensus splice site. ClinVar contains an entry for this variant (Variation ID: 821943). This variant has not been reported in the literature in individuals affected with RAD51D-related conditions. This variant is not present in population databases (gnomAD no frequency). This sequence change creates a premature translational stop signal (p.Leu97Serfs*8) in the RAD51D gene. It is expected to result in an absent or disrupted protein product. Loss-of-function variants in RAD51D are known to be pathogenic (PMID: 21822267).

Literature cited by the submitters: PubMed 21822267 (cited by Labcorp Genetics (formerly Invitae), Labcorp).

NM_002878.4(RAD51D):c.287dup (p.Leu97fs)

Genes: RAD51L3-RFFL (RAD51L3-RFFL readthrough; minus strand), RAD51D (RAD51 paralog D; minus strand). Cytogenetic location: 17q12.
Variant type: Duplication.
Coding change: c.287dup on transcript NM_002878.4 (MANE Select); coding-DNA position 287, one base duplicated (G; older notation c.287dupG).
Protein change: p.Leu97fs; shifts the reading frame from leucine 97.
Molecular consequence: frameshift variant. On other transcripts: non-coding transcript variant (2), intron variant (1).
Genome position (GRCh38, 1-based): chr17:35,107,424, C duplicated on the plus strand (G on the coding strand, the reverse complement: RAD51D is on the minus strand); the first of 2 consecutive C bases (chr17:35,107,424-35,107,425); duplicating either gives the same sequence. VCF-style (leftmost placement, unchanged base first): chr17-35107423-A-AC. GRCh37 (hg19) VCF-style: chr17-33434442-A-AC.
Other names: c.347dup, p.Leu117fs (NM_001142571.2); c.145-943dup (NM_133629.3); c.287dupG (NM_002878.3); short protein forms L117fs, L97fs.
Identifiers: ClinVar variation 821943 (VCV000821943.9), dbSNP rs1597863362, ClinGen allele CA915949987.